The following is an entry in ClinVar:

ClinVar aggregate classification (germline): Uncertain significance (1 of 4 stars; one submission).

Conditions:
Cardiovascular phenotype. Identifiers: MedGen CN230736.

gnomAD v4.1: 4 of 1,611,442 alleles (0.00025%); highest among the groups gnomAD compares: Non-Finnish European, 0.00025%; no homozygotes.

Submission:

Ambry Genetics
Classification: Uncertain significance for Cardiovascular phenotype. Last evaluated: 2026-01-24. Review status: criteria provided, single submitter. Criteria: Ambry Variant Classification Scheme 2023. Collection method: clinical testing. Allele origin: germline.
Comment: The p.P416A variant (also known as c.1246C>G), located in coding exon 11 of the PRDM5 gene, results from a C to G substitution at nucleotide position 1246. The proline at codon 416 is replaced by alanine, an amino acid with highly similar properties. This amino acid position is conserved. In addition, this alteration is predicted to be tolerated by in silico analysis. Based on the available evidence, the clinical significance of this variant remains unclear.

NM_018699.4(PRDM5):c.1246C>G (p.Pro416Ala)

Gene: PRDM5 (PR/SET domain 5; minus strand). Cytogenetic location: 4q27.
Variant type: single nucleotide variant.
Coding change: c.1246C>G on transcript NM_018699.4 (MANE Select); coding-DNA position 1246, C replaced by G.
Protein change: p.Pro416Ala; replaces proline 416 with alanine.
Molecular consequence: missense variant.
Genome position (GRCh38, 1-based): chr4:120,785,034, G>C on the plus strand (C>G on the coding strand, the complement: PRDM5 is on the minus strand). VCF-style: chr4-120785034-G-C. GRCh37 (hg19) VCF-style: chr4-121706189-G-C.
Other names: c.1153C>G, p.Pro385Ala (NM_001300823.2, NM_001300824.2, NM_001379106.1); c.1279C>G, p.Pro427Ala (NM_001379104.1); short protein forms P416A, P427A, P385A.
Identifiers: ClinVar variation 4824044 (VCV004824044.1).